The following is an entry in ClinVar:

ClinVar aggregate classification (germline): Likely benign. Review status: criteria provided, multiple submitters, no conflicts (2 of 4 stars). 2 submissions from 2 submitters: Likely benign (2). Last evaluated 2025-02-15.

Conditions:
Polyhydramnios, megalencephaly, and symptomatic epilepsy (PMSE). Also called: PMSE SYNDROME. Identifiers: Orphanet 500533, MedGen C1970203, MONDO:0012611, OMIM 611087.
STRADA-related disorder. Also called: STRADA-related condition.

Allele frequency attached by ClinVar (database versions not stated): gnomAD exomes 0.00001 and 0.00002; ExAC 0.00002; gnomAD 0.00001.
gnomAD v4.1: 8 of 1,613,558 alleles (0.0005%); highest among the groups gnomAD compares: East Asian, 0.0089%; no homozygotes.

Submissions (2):

PreventionGenetics, part of Exact Sciences
Classification: Likely benign for STRADA-related condition. Last evaluated: 2025-02-15. Review status: criteria provided, single submitter. Criteria: ACMG Guidelines, 2015. Collection method: clinical testing. Allele origin: germline.
Comment: This variant is classified as likely benign based on ACMG/AMP sequence variant interpretation guidelines (Richards et al. 2015 PMID: 25741868, with internal and published modifications).

Labcorp Genetics (formerly Invitae), Labcorp
Classification: Likely benign for Polyhydramnios, megalencephaly, and symptomatic epilepsy. Last evaluated: 2020-02-02. Review status: criteria provided, single submitter. Criteria: Invitae Variant Classification Sherloc (09022015). Collection method: clinical testing. Allele origin: germline.

NM_001003787.4(STRADA):c.1144-7C>T

Gene: STRADA (STE20 related adaptor alpha; minus strand). Cytogenetic location: 17q23.3.
Variant type: single nucleotide variant.
Coding change: c.1144-7C>T on transcript NM_001003787.4 (MANE Select); 7 bases into the intron before coding-DNA position 1144, C replaced by T.
Molecular consequence: intron variant. On other transcripts: 3 prime UTR variant (1).
Genome position (GRCh38, 1-based): chr17:63,703,758, G>A on the plus strand (C>T on the coding strand, the complement: STRADA is on the minus strand). VCF-style: chr17-63703758-G-A. GRCh37 (hg19) VCF-style: chr17-61781118-G-A.
Other names: c.*525C>T (NM_153335.6); c.*21-7C>T (NM_001363789.1, NM_001165969.2, NM_001165970.2 and 2 more transcripts); c.1033-7C>T (NM_001003786.3); c.836-7C>T (NM_001363790.1); c.1120-7C>T (NM_001363786.1); c.1057-7C>T (NM_001363787.1); c.970-7C>T (NM_001003788.3).
Identifiers: ClinVar variation 707117 (VCV000707117.11), dbSNP rs770658281, ClinGen allele CA8703077.